The following is an entry in ClinVar:

NM_016734.3(PAX5):c.700C>G (p.Leu234Val)

Gene: PAX5 (paired box 5; minus strand). Cytogenetic location: 9p13.2.
Variant type: single nucleotide variant.
Coding change: c.700C>G on transcript NM_016734.3 (MANE Select); coding-DNA position 700, C replaced by G.
Protein change: p.Leu234Val; replaces leucine 234 with valine.
Molecular consequence: missense variant. On other transcripts: non-coding transcript variant (2).
Genome position (GRCh38, 1-based): chr9:36,966,629, G>C on the plus strand (C>G on the coding strand, the complement: PAX5 is on the minus strand). VCF-style: chr9-36966629-G-C. GRCh37 (hg19) VCF-style: chr9-36966626-G-C.
Other names: c.700C>G, p.Leu234Val (NM_001280547.2, NM_001280548.2, NM_001280549.2 and 2 more transcripts); c.376C>G, p.Leu126Val (NM_001280551.2, NM_001280556.2); c.571C>G, p.Leu191Val (NM_001280553.2, NM_001280554.2); c.502C>G, p.Leu168Val (NM_001280555.2); short protein forms L168V, L191V, L126V, L234V.
Identifiers: ClinVar variation 5026317 (VCV005026317.1).

ClinVar aggregate classification (germline): Uncertain significance (1 of 4 stars; one submission).

Conditions:
Inborn genetic diseases. Identifiers: MedGen C0950123, MeSH D030342.

Submission:

Ambry Genetics
Classification: Uncertain significance for Inborn genetic diseases. Last evaluated: 2026-08-18. Review status: criteria provided, single submitter. Criteria: Ambry Variant Classification Scheme 2023. Collection method: clinical testing. Allele origin: germline.
Comment: The p.L234V variant (also known as c.700C>G), located in coding exon 6 of the PAX5 gene, results from a C to G substitution at nucleotide position 700. The leucine at codon 234 is replaced by valine, an amino acid with highly similar properties. This amino acid position is conserved. In addition, this alteration is predicted to be deleterious by in silico analysis. Based on the available evidence, the clinical significance of this variant remains unclear.